The following is an entry in ClinVar:

NM_015557.3(CHD5):c.3250G>A (p.Asp1084Asn)

Gene: CHD5 (chromodomain helicase DNA binding protein 5; minus strand). Cytogenetic location: 1p36.31.
Variant type: single nucleotide variant.
Coding change: c.3250G>A on transcript NM_015557.3 (MANE Select); coding-DNA position 3250, G replaced by A.
Protein change: p.Asp1084Asn; replaces aspartic acid 1084 with asparagine.
Molecular consequence: missense variant.
Genome position (GRCh38, 1-based): chr1:6,131,643, C>T on the plus strand (G>A on the coding strand, the complement: CHD5 is on the minus strand). VCF-style: chr1-6131643-C-T. GRCh37 (hg19) VCF-style: chr1-6191703-C-T.
Other names: c.3250G>A (NM_015557.2); short protein forms D1084N.
Identifiers: ClinVar variation 995781 (VCV000995781.3), dbSNP rs760743983, ClinGen allele CA556537.

ClinVar aggregate classification (germline): Likely pathogenic. Review status: criteria provided, single submitter (1 of 4 stars). 2 submissions from 2 submitters: Likely pathogenic (1). 1 of the submissions does not count toward it. Last evaluated 2021-01-18.

Conditions:
Seizure. Also called: Seizures. Identifiers: MedGen C0036572, HP:0001250.
CHD5-related disorder. Also called: CHD5-related condition.

Allele frequency attached by ClinVar (database versions not stated): gnomAD exomes below 0.00001; ExAC 0.00001.
gnomAD v4.1: 2 of 1,600,890 alleles (0.00012%); highest among the groups gnomAD compares: Non-Finnish European, 0.00017%; no homozygotes.

Submissions (2):

Institute for Human Genetics, University Hospital Essen
Classification: Likely pathogenic for Seizure. Last evaluated: 2021-01-18. Review status: criteria provided, single submitter. Criteria: ACMG Guidelines, 2015. Collection method: research. Allele origin: de novo. Affected: yes.

PreventionGenetics, part of Exact Sciences
Classification: Uncertain significance for CHD5-related condition. Last evaluated: 2024-03-06. Review status: no assertion criteria provided. Collection method: clinical testing. Allele origin: germline. Not counted in ClinVar's aggregate classification.
Comment: The CHD5 c.3250G>A variant is predicted to result in the amino acid substitution p.Asp1084Asn. This variant was reported as de novo in a patient with seizures without neurodevelopmental delays or dysmorphic features (Patient 8, Parenti et al. 2021. PubMed ID: 33944996). This variant is reported in 0.00088% of alleles in individuals of European (Non-Finnish) descent in gnomAD. At this time, the clinical significance of this variant is uncertain due to the absence of conclusive functional and genetic evidence.

Literature cited by the submitters: PubMed 33944996 (cited by Institute for Human Genetics, University Hospital Essen).